The following is an entry in ClinVar:

NM_000540.3(RYR1):c.2533C>A (p.Leu845Ile)

Gene: RYR1 (ryanodine receptor 1; plus strand). Cytogenetic location: 19q13.2.
Variant type: single nucleotide variant.
Coding change: c.2533C>A on transcript NM_000540.3 (MANE Select); coding-DNA position 2533, C replaced by A.
Protein change: p.Leu845Ile; replaces leucine 845 with isoleucine.
Molecular consequence: missense variant.
Genome position (GRCh38, 1-based): chr19:38,460,547, C>A. VCF-style: chr19-38460547-C-A. GRCh37 (hg19) VCF-style: chr19-38951187-C-A.
Other names: c.2533C>A, p.Leu845Ile (NM_001042723.2); short protein forms L845I.
Identifiers: ClinVar variation 3072432 (VCV003072432.1), dbSNP rs201545585, ClinGen allele CA405630111.

ClinVar aggregate classification (germline): Uncertain significance (1 of 4 stars; one submission).

Conditions:
Malignant hyperthermia, susceptibility to, 1 (MHS1). Also called: Anesthesia related hyperthermia; Malignant hyperpyrexia; Fulminating hyperpyrexia; Pharmacogenic myopathy; RYR1-Related Malignant Hyperthermia Susceptibility; Malignant hyperthermia suceptibility 1. Identifiers: Orphanet 423, MedGen C2930980, MONDO:0007783, OMIM 145600.

Submission:

All of Us Research Program, National Institutes of Health
Classification: Uncertain significance for Malignant hyperthermia, susceptibility to, 1. Last evaluated: 2023-07-10. Review status: criteria provided, single submitter. Criteria: ACMG Guidelines, 2015. Collection method: clinical testing. Allele origin: germline. Inheritance: Autosomal dominant inheritance. Observed: 1 variant allele, 1 heterozygote.
Comment: This missense variant replaces leucine with isoleucine at codon 845 of the RYR1 protein. Computational prediction is inconclusive regarding the impact of this variant on protein structure and function (internally defined REVEL score threshold 0.5 < inconclusive < 0.7, PMID: 27666373). To our knowledge, functional studies have not been reported for this variant. This variant has not been reported in individuals affected with RYR1-related disorders in the literature. This variant has not been identified in the general population by the Genome Aggregation Database (gnomAD). The available evidence is insufficient to determine the role of this variant in disease conclusively. Therefore, this variant is classified as a Variant of Uncertain Significance.

This study involves interpretation of variants in research participants for the purpose of population health screening. Participant phenotype was not available at the time of variant classification. Additional details can be found in publication PMID: 35346344, PMCID: PMC8962531